The following is an entry in ClinVar:

NM_000337.6(SGCD):c.289C>T (p.Arg97Ter)

Gene: SGCD (sarcoglycan delta; plus strand). Cytogenetic location: 5q33.3.
Variant type: single nucleotide variant.
Coding change: c.289C>T on transcript NM_000337.6 (MANE Select); coding-DNA position 289, C replaced by T.
Protein change: p.Arg97Ter; replaces arginine 97 with a stop codon.
Molecular consequence: nonsense.
Genome position (GRCh38, 1-based): chr5:156,508,697, C>T. VCF-style: chr5-156508697-C-T. GRCh37 (hg19) VCF-style: chr5-155935707-C-T.
Other names: NM_000337.6(SGCD):c.289C>T; p.Arg97Ter; c.286C>T, p.Arg96Ter (NM_001128209.2); c.289C>T, p.Arg97Ter (NM_172244.3); short protein forms R96*, R97*.
Identifiers: ClinVar variation 1677453 (VCV001677453.9), dbSNP rs758700138, ClinGen allele CA3530549.

ClinVar aggregate classification (germline): Pathogenic. Review status: reviewed by expert panel (3 of 4 stars). 5 submissions from 5 submitters: Pathogenic (1). 4 of the submissions do not count toward it. Last evaluated 2025-01-08.

Conditions:
Autosomal recessive limb-girdle muscular dystrophy. Identifiers: Orphanet 102015, MedGen C2931907, MONDO:0015152.
Autosomal recessive limb-girdle muscular dystrophy type 2F (LGMDR6). Also called: MUSCULAR DYSTROPHY, LIMB-GIRDLE, AUTOSOMAL RECESSIVE 6; Muscular dystrophy limb-girdle with delta-sarcoglyan deficiency. Identifiers: Orphanet 219, MedGen C1832525, MONDO:0011028, OMIM 601287. Disease mechanism: Affects gamma-sarcoglycan and also disrupts the integrity of the entire sarcoglycan complex..
Dilated cardiomyopathy 1L (CMD1L). Identifiers: Orphanet 154, MedGen C1847667, MONDO:0011702, OMIM 606685.

Allele frequency attached by ClinVar (database versions not stated): gnomAD exomes below 0.00001; ExAC 0.00001.
gnomAD v4.1: 1 of 1,575,052 alleles (0.000063%); highest among the groups gnomAD compares: South Asian, 0.0011%; no homozygotes.

Submissions (5):

ClinGen Limb Girdle Muscular Dystrophy Variant Curation Expert Panel, ClinGen
Classification: Pathogenic for Autosomal recessive limb-girdle muscular dystrophy. Last evaluated: 2025-01-08. Review status: reviewed by expert panel. Criteria: ClinGen LGMD VCEP ACMG Specifications SGCD V1.0.0. Collection method: curation. Allele origin: germline. Inheritance: Autosomal recessive inheritance.
Comment: The NM_000337.6: c.289C>T p.(Arg97Ter) variant in SGCD is a nonsense variant predicted to cause a premature stop codon in biologically relevant exon 4/9, leading to nonsense mediated decay in a gene in which loss of function is an established disease mechanism (PVS1). This variant has been identified in a homozygous state in at least two patients with LGMD who were from consanguineous families (0.5 pts, PMID: 34515763, 30733730; PM3_Supporting). At least one of these patients displayed progressive limb girdle weakness observed over more than six months (PP4). The highest population minor allele frequency in gnomAD v4.1.0 is 0.00001146 (1/87260 alleles) in the South Asian population, which is lower than the ClinGen LGMD VCEP threshold (<0.00009) for PM2_Supporting, meeting this criterion (PM2_Supporting). In summary, this variant meets the criteria to be classified as Pathogenic for autosomal recessive limb girdle muscular dystrophy based on the ACMG/AMP criteria applied, as specified by the ClinGen LGMD VCEP (LGMD VCEP specifications version 1.0.0; 01/08/2025): PVS1, PM3_Supporting, PP4, PM2_Supporting.

Labcorp Genetics (formerly Invitae), Labcorp
Classification: Pathogenic for Autosomal recessive limb-girdle muscular dystrophy type 2F. Last evaluated: 2026-01-06. Review status: criteria provided, single submitter. Criteria: Invitae Variant Classification Sherloc (09022015). Collection method: clinical testing. Allele origin: germline. Not counted in ClinVar's aggregate classification.
Comment: This sequence change creates a premature translational stop signal (p.Arg97*) in the SGCD gene. It is expected to result in an absent or disrupted protein product. Loss-of-function variants in SGCD are known to be pathogenic (PMID: 8841194, 10735275, 10838250). This variant is not present in population databases (gnomAD no frequency). This premature translational stop signal has been observed in individual(s) with SGCD-related conditions (PMID: 30733730). ClinVar contains an entry for this variant (Variation ID: 1677453). For these reasons, this variant has been classified as Pathogenic.

Women's Health and Genetics/Laboratory Corporation of America, LabCorp
Classification: Pathogenic for Autosomal recessive limb-girdle muscular dystrophy. Last evaluated: 2025-01-14. Review status: criteria provided, single submitter. Criteria: LabCorp Variant Classification Summary - May 2015. Collection method: clinical testing. Allele origin: germline. Not counted in ClinVar's aggregate classification.
Comment: Variant summary: SGCD c.289C>T (p.Arg97X) results in a premature termination codon, predicted to cause a truncation of the encoded protein or absence of the protein due to nonsense mediated decay, which are commonly known mechanisms for disease. The variant was absent in 234230 control chromosomes. c.289C>T has been reported in the literature in individuals affected with Limb-Girdle Muscular Dystrophy, Autosomal Recessive (Younus_2018, Alonso-Pre_2022). These data indicate that the variant may be associated with disease. To our knowledge, no experimental evidence demonstrating an impact on protein function has been reported. The following publications have been ascertained in the context of this evaluation (PMID: 34515763, 30733730). ClinVar contains an entry for this variant (Variation ID: 1677453). Based on the evidence outlined above, the variant was classified as pathogenic.

Baylor Genetics
Classification: Pathogenic for Dilated cardiomyopathy 1L. Last evaluated: 2023-12-16. Review status: criteria provided, single submitter. Criteria: ACMG Guidelines, 2015. Collection method: clinical testing. Allele origin: unknown. Not counted in ClinVar's aggregate classification.

AiLife Diagnostics
Classification: Likely pathogenic. Last evaluated: 2021-12-03. Review status: criteria provided, single submitter. Criteria: ACMG Guidelines, 2015. Collection method: clinical testing. Allele origin: germline. Affected: yes. Observed: 2 variant alleles. Not counted in ClinVar's aggregate classification.

Literature cited by the submitters: PubMed 8841194 (cited by Labcorp Genetics (formerly Invitae), Labcorp); PubMed 10735275 (cited by Labcorp Genetics (formerly Invitae), Labcorp); PubMed 10838250 (cited by Labcorp Genetics (formerly Invitae), Labcorp); PubMed 30733730 (cited by 3 submitters); PubMed 34515763 (cited by Women's Health and Genetics/Laboratory Corporation of America, LabCorp).